The following is an entry in ClinVar:

ClinVar aggregate classification (germline): Likely benign (1 of 4 stars; one submission).

Allele frequency attached by ClinVar (database versions not stated): gnomAD 0.00004; gnomAD exomes 0.00005; TOPMed 0.00005; ExAC 0.00012.
gnomAD v4.1: 57 of 1,191,570 alleles (0.0048%); highest among the groups gnomAD compares: South Asian, 0.031%; no homozygotes.

Submission:

CeGaT Center for Human Genetics Tuebingen
Classification: Likely benign. Last evaluated: 2024-07-01. Review status: criteria provided, single submitter. Criteria: CeGaT Center For Human Genetics Tuebingen Variant Classification Criteria Version 2. Collection method: clinical testing. Allele origin: germline. Affected: yes. Observed: 2 variant alleles.
Comment: DLG3: BP4, BP7, BS2

NM_021120.4(DLG3):c.1145+613G>A

Gene: DLG3 (discs large MAGUK scaffold protein 3; plus strand). Cytogenetic location: Xq13.1.
Variant type: single nucleotide variant.
Coding change: c.1145+613G>A on transcript NM_021120.4 (MANE Select); 613 bases into the intron after coding-DNA position 1145, G replaced by A.
Molecular consequence: intron variant. On other transcripts: synonymous variant (1).
Genome position (GRCh38, 1-based): chrX:70,452,639, G>A. VCF-style: chrX-70452639-G-A. GRCh37 (hg19) VCF-style: chrX-69672489-G-A.
Other names: c.18G>A, p.Lys6= (NM_020730.3).
Identifiers: ClinVar variation 2660825 (VCV002660825.24), dbSNP rs753601803, ClinGen allele CA10442096.